The following is an entry in ClinVar:

ClinVar aggregate classification (germline): Uncertain significance. Review status: criteria provided, multiple submitters, no conflicts (2 of 4 stars). 2 submissions from 2 submitters: Uncertain significance (2). Last evaluated 2025-04-11.

Conditions:
Long QT syndrome (LQTS). Identifiers: MedGen C0023976, MeSH D008133, MONDO:0002442. Disease mechanism: loss of function. Inheritance: Various modes of inheritance.

gnomAD v4.1: 1 of 1,594,072 alleles (0.000063%); no homozygotes.

Submissions (2):

Labcorp Genetics (formerly Invitae), Labcorp
Classification: Uncertain significance for Long QT syndrome. Last evaluated: 2025-04-11. Review status: criteria provided, single submitter. Criteria: Invitae Variant Classification Sherloc (09022015). Collection method: clinical testing. Allele origin: germline.
Comment: This sequence change replaces histidine, which is basic and polar, with arginine, which is basic and polar, at codon 42 of the CACNA1C protein (p.His42Arg). This variant is not present in population databases (gnomAD no frequency). This variant has not been reported in the literature in individuals affected with CACNA1C-related conditions. ClinVar contains an entry for this variant (Variation ID: 1691188). Invitae Evidence Modeling of protein sequence and biophysical properties (such as structural, functional, and spatial information, amino acid conservation, physicochemical variation, residue mobility, and thermodynamic stability) indicates that this missense variant is not expected to disrupt CACNA1C protein function with a negative predictive value of 95%. In summary, the available evidence is currently insufficient to determine the role of this variant in disease. Therefore, it has been classified as a Variant of Uncertain Significance.

GeneDx
Classification: Uncertain significance. Last evaluated: 2022-06-06. Review status: criteria provided, single submitter. Criteria: GeneDx Variant Classification Process June 2021. Collection method: clinical testing. Allele origin: germline. Affected: yes.
Comment: Not observed at significant frequency in large population cohorts (gnomAD); In silico analysis supports that this missense variant has a deleterious effect on protein structure/function; Has not been previously published as pathogenic or benign to our knowledge

NM_000719.7(CACNA1C):c.125A>G (p.His42Arg)

Gene: CACNA1C (calcium voltage-gated channel subunit alpha1 C; plus strand). Cytogenetic location: 12p13.33.
Variant type: single nucleotide variant.
Coding change: c.125A>G on transcript NM_000719.7 (MANE Select); coding-DNA position 125, A replaced by G.
Protein change: p.His42Arg; replaces histidine 42 with arginine.
Molecular consequence: missense variant.
Genome position (GRCh38, 1-based): chr12:2,115,299, A>G. VCF-style: chr12-2115299-A-G. GRCh37 (hg19) VCF-style: chr12-2224465-A-G.
Other names: c.125A>G, p.His42Arg (NM_001129827.2, NM_001129829.2, NM_001129830.3 and 19 more transcripts); short protein forms H42R.
Identifiers: ClinVar variation 1691188 (VCV001691188.5), dbSNP rs2154136915, ClinGen allele CA383652984.